The following is an entry in ClinVar:

NM_001363711.2(DUOX2):c.260C>G (p.Ala87Gly)

Gene: DUOX2 (dual oxidase 2; minus strand). Cytogenetic location: 15q21.1.
Variant type: single nucleotide variant.
Coding change: c.260C>G on transcript NM_001363711.2 (MANE Select); coding-DNA position 260, C replaced by G.
Protein change: p.Ala87Gly; replaces alanine 87 with glycine.
Molecular consequence: missense variant.
Genome position (GRCh38, 1-based): chr15:45,112,619, G>C on the plus strand (C>G on the coding strand, the complement: DUOX2 is on the minus strand). VCF-style: chr15-45112619-G-C. GRCh37 (hg19) VCF-style: chr15-45404817-G-C.
Other names: c.260C>G, p.Ala87Gly (NM_014080.5); short protein forms A87G.
Identifiers: ClinVar variation 1303802 (VCV001303802.2), dbSNP rs771811082, ClinGen allele CA7539055.

ClinVar aggregate classification (germline): Uncertain significance (1 of 4 stars; one submission).

Allele frequency attached by ClinVar (database versions not stated): gnomAD exomes below 0.00001; ExAC 0.00001.
gnomAD v4.1: 2 of 1,612,852 alleles (0.00012%); highest among the groups gnomAD compares: Non-Finnish European, 0.00017%; no homozygotes.

Submission:

GeneDx
Classification: Uncertain significance. Last evaluated: 2019-07-23. Review status: criteria provided, single submitter. Criteria: GeneDx Variant Classification Process June 2021. Collection method: clinical testing. Allele origin: germline. Affected: yes.
Comment: In silico analysis, which includes protein predictors and evolutionary conservation, supports that this variant does not alter protein structure/function; Has not been previously published as pathogenic or benign to our knowledge